The following is an entry in ClinVar:

ClinVar aggregate classification (germline): Uncertain significance. Review status: criteria provided, multiple submitters, no conflicts (2 of 4 stars). 2 submissions from 2 submitters: Uncertain significance (2). Last evaluated 2026-07-17.

Conditions:
CACNA1F-related disorder. Also called: CACNA1F-related condition.

Submissions (2):

PreventionGenetics, part of Exact Sciences
Classification: Uncertain significance for CACNA1F-related condition. Last evaluated: 2026-07-17. Review status: criteria provided, single submitter. Criteria: ACMG Guidelines, 2015. Collection method: clinical testing. Allele origin: germline.
Comment: The CACNA1F c.3231G>A variant is predicted to result in the amino acid substitution p.Met1077Ile. To our knowledge, this variant has not been reported in the literature. This variant is reported in 0.0037% of alleles in individuals of European (Non-Finnish) descent in gnomAD. At this time, the clinical significance of this variant is uncertain due to the absence of conclusive functional and genetic evidence.

Labcorp Genetics (formerly Invitae), Labcorp
Classification: Uncertain significance. Last evaluated: 2025-10-29. Review status: criteria provided, single submitter. Criteria: Invitae Variant Classification Sherloc (09022015). Collection method: clinical testing. Allele origin: germline.
Comment: This sequence change replaces methionine, which is neutral and non-polar, with isoleucine, which is neutral and non-polar, at codon 1077 of the CACNA1F protein (p.Met1077Ile). This variant is present in population databases (rs782690400, gnomAD 0.004%). This variant has not been reported in the literature in individuals affected with CACNA1F-related conditions. Invitae Evidence Modeling of protein sequence and biophysical properties (such as structural, functional, and spatial information, amino acid conservation, physicochemical variation, residue mobility, and thermodynamic stability) indicates that this missense variant is not expected to disrupt CACNA1F protein function with a negative predictive value of 80%. In summary, the available evidence is currently insufficient to determine the role of this variant in disease. Therefore, it has been classified as a Variant of Uncertain Significance.

NM_001256789.3(CACNA1F):c.3198G>A (p.Met1066Ile)

Gene: CACNA1F (calcium voltage-gated channel subunit alpha1 F; minus strand). Cytogenetic location: Xp11.23.
Variant type: single nucleotide variant.
Coding change: c.3198G>A on transcript NM_001256789.3 (MANE Select); coding-DNA position 3198, G replaced by A.
Protein change: p.Met1066Ile; replaces methionine 1066 with isoleucine.
Molecular consequence: missense variant.
Genome position (GRCh38, 1-based): chrX:49,216,420, C>T on the plus strand (G>A on the coding strand, the complement: CACNA1F is on the minus strand). VCF-style: chrX-49216420-C-T. GRCh37 (hg19) VCF-style: chrX-49072880-C-T.
Other names: c.3036G>A, p.Met1012Ile (NM_001256790.3); c.3231G>A, p.Met1077Ile (NM_005183.4); c.3231G>A (NM_005183.3); short protein forms M1077I, M1012I, M1066I.
Identifiers: ClinVar variation 4695383 (VCV004695383.2).